The following is an entry in ClinVar:

ClinVar aggregate classification (germline): Uncertain significance (1 of 4 stars; one submission).

Conditions:
Charcot-Marie-Tooth disease type 2. Also called: Charcot-Marie-Tooth type 2. Identifiers: Orphanet 64746, MedGen C0270914, MONDO:0018993.

gnomAD v4.1: 3 of 1,614,090 alleles (0.00019%); highest among the groups gnomAD compares: Admixed American, 0.0017%; no homozygotes.

Submission:

Labcorp Genetics (formerly Invitae), Labcorp
Classification: Uncertain significance for Charcot-Marie-Tooth disease type 2. Last evaluated: 2025-10-16. Review status: criteria provided, single submitter. Criteria: Invitae Variant Classification Sherloc (09022015). Collection method: clinical testing. Allele origin: germline.
Comment: This sequence change replaces valine, which is neutral and non-polar, with aspartic acid, which is acidic and polar, at codon 705 of the MFN2 protein (p.Val705Asp). This variant is present in population databases (no rsID available, gnomAD 0.0009%). This variant has not been reported in the literature in individuals affected with MFN2-related conditions. ClinVar contains an entry for this variant (Variation ID: 3626094). Invitae Evidence Modeling of protein sequence and biophysical properties (such as structural, functional, and spatial information, amino acid conservation, physicochemical variation, residue mobility, and thermodynamic stability) indicates that this missense variant is not expected to disrupt MFN2 protein function with a negative predictive value of 80%. In summary, the available evidence is currently insufficient to determine the role of this variant in disease. Therefore, it has been classified as a Variant of Uncertain Significance.

NM_014874.4(MFN2):c.2114T>A (p.Val705Asp)

Gene: MFN2 (mitofusin 2; plus strand). Cytogenetic location: 1p36.22.
Variant type: single nucleotide variant.
Coding change: c.2114T>A on transcript NM_014874.4 (MANE Select); coding-DNA position 2114, T replaced by A.
Protein change: p.Val705Asp; replaces valine 705 with aspartic acid.
Molecular consequence: missense variant.
Genome position (GRCh38, 1-based): chr1:12,009,636, T>A. VCF-style: chr1-12009636-T-A. GRCh37 (hg19) VCF-style: chr1-12069693-T-A.
Other names: c.2114T>A, p.Val705Asp (NM_001127660.2); short protein forms V705D.
Identifiers: ClinVar variation 3626094 (VCV003626094.2).
Genomic context (GRCh38, chr1:12,009,636, plus strand): 5'-TCTCTCTCCTCCCCAGGGAACTGTCTGGGACCTTTGCTCATCTGTGTCAGCAAGTTGACG[T>A]CACCCGGGAGAACCTGGAGCAGGAAATTGCCGCCATGAACAAGAAAATTGAGGTTCTTGA-3'
Protein context (NP_055689.1, residues 695-715): TFAHLCQQVD[Val705Asp]TRENLEQEIA